The following is an entry in ClinVar:

NM_001365536.1(SCN9A):c.3266T>A (p.Val1089Glu)

Genes: SCN1A-AS1 (SCN1A and SCN9A antisense RNA 1; plus strand), SCN9A (sodium voltage-gated channel alpha subunit 9; minus strand). Cytogenetic location: 2q24.3.
Variant type: single nucleotide variant.
Coding change: c.3266T>A on transcript NM_001365536.1 (MANE Select); coding-DNA position 3266, T replaced by A.
Protein change: p.Val1089Glu; replaces valine 1089 with glutamic acid.
Molecular consequence: missense variant.
Genome position (GRCh38, 1-based): chr2:166,272,484, A>T on the plus strand (T>A on the coding strand, the complement: SCN9A is on the minus strand). VCF-style: chr2-166272484-A-T. GRCh37 (hg19) VCF-style: chr2-167128994-A-T.
Other names: c.3233T>A, p.Val1078Glu (NM_002977.4); short protein forms V1089E, V1078E.
Identifiers: ClinVar variation 1480629 (VCV001480629.6), dbSNP rs2106460298, ClinGen allele CA349072784.

ClinVar aggregate classification (germline): Uncertain significance (1 of 4 stars; one submission).

Conditions:
Generalized epilepsy with febrile seizures plus, type 7 (GEFSP7). Also called: GEFS+, TYPE 7. Identifiers: Orphanet 36387, MedGen C2751778, MONDO:0013470, OMIM 613863.
Neuropathy, hereditary sensory and autonomic, type 2A (HSAN2A). Also called: HSAN IIA; WNK1-Related HSAN2 (HSAN2A); MORVAN DISEASE; NEUROPATHY, CONGENITAL SENSORY; NEUROPATHY, HEREDITARY SENSORY RADICULAR, AUTOSOMAL RECESSIVE; NEUROPATHY, HEREDITARY SENSORY, TYPE IIA. Identifiers: Orphanet 970, MedGen C2752089, MONDO:0024309, OMIM 201300.

Submission:

Labcorp Genetics (formerly Invitae), Labcorp
Classification: Uncertain significance for Neuropathy, hereditary sensory and autonomic, type 2A; Generalized epilepsy with febrile seizures plus, type 7. Last evaluated: 2021-08-15. Review status: criteria provided, single submitter. Criteria: Invitae Variant Classification Sherloc (09022015). Collection method: clinical testing. Allele origin: germline.
Comment: This sequence change replaces valine with glutamic acid at codon 1078 of the SCN9A protein (p.Val1078Glu). The valine residue is highly conserved and there is a moderate physicochemical difference between valine and glutamic acid. This variant is not present in population databases (ExAC no frequency). This variant has not been reported in the literature in individuals affected with SCN9A-related conditions. Algorithms developed to predict the effect of missense changes on protein structure and function are either unavailable or do not agree on the potential impact of this missense change (SIFT: "Deleterious"; PolyPhen-2: "Probably Damaging"; Align-GVGD: "Class C15"). In summary, the available evidence is currently insufficient to determine the role of this variant in disease. Therefore, it has been classified as a Variant of Uncertain Significance.